The following is an entry in ClinVar:

NM_000138.5(FBN1):c.1860del (p.Ile622fs)

Gene: FBN1 (fibrillin 1; minus strand). Cytogenetic location: 15q21.1.
Variant type: Deletion.
Coding change: c.1860del on transcript NM_000138.5 (MANE Select); coding-DNA position 1860, one base deleted (T; older notation c.1860delT).
Protein change: p.Ile622fs; shifts the reading frame from isoleucine 622.
Molecular consequence: frameshift variant.
Genome position (GRCh38, 1-based): chr15:48,505,125, A deleted on the plus strand (T on the coding strand, the reverse complement: FBN1 is on the minus strand). VCF-style (leftmost placement, unchanged base first): chr15-48505124-CA-C. GRCh37 (hg19) VCF-style: chr15-48797321-CA-C.
Other names: short protein forms I622fs.
Identifiers: ClinVar variation 1460094 (VCV001460094.6), dbSNP rs2141317442, ClinGen allele CA2573150800.

ClinVar aggregate classification (germline): Pathogenic (1 of 4 stars; one submission).

Conditions:
Marfan syndrome (MFS). Also called: MARFAN SYNDROME, TYPE I; Marfan syndrome type 1; Marfan's syndrome; Marfan syndrome, classic; FBN1-Related Marfan Syndrome. Identifiers: Orphanet 284963, Orphanet 558, MedGen C0024796, MONDO:0007947, OMIM 154700.
Familial thoracic aortic aneurysm and aortic dissection (TAAD). Also called: Thoracic aortic aneurysms and dissections. Identifiers: Orphanet 91387, MedGen C4707243, MONDO:0019625.

Submission:

Labcorp Genetics (formerly Invitae), Labcorp
Classification: Pathogenic for Marfan syndrome; Familial thoracic aortic aneurysm and aortic dissection. Last evaluated: 2021-02-12. Review status: criteria provided, single submitter. Criteria: Invitae Variant Classification Sherloc (09022015). Collection method: clinical testing. Allele origin: germline.
Comment: For these reasons, this variant has been classified as Pathogenic. This variant has not been reported in the literature in individuals with FBN1-related conditions. This variant is not present in population databases (ExAC no frequency). This sequence change creates a premature translational stop signal (p.Ile622Serfs*3) in the FBN1 gene. It is expected to result in an absent or disrupted protein product. Loss-of-function variants in FBN1 are known to be pathogenic (PMID: 17657824, 19293843).

Literature cited by the submitters: PubMed 17657824; PubMed 19293843.